The following is an entry in ClinVar:

ClinVar aggregate classification (germline): Uncertain significance. Review status: criteria provided, multiple submitters, no conflicts (2 of 4 stars). 2 submissions from 2 submitters: Uncertain significance (2). Last evaluated 2021-04-16.

Allele frequency attached by ClinVar (database versions not stated): gnomAD exomes below 0.00001 and 0.00001; gnomAD 0.00002; TOPMed 0.00002.

Submissions (2):

Labcorp Genetics (formerly Invitae), Labcorp
Classification: Uncertain significance. Last evaluated: 2021-04-16. Review status: criteria provided, single submitter. Criteria: Invitae Variant Classification Sherloc (09022015). Collection method: clinical testing. Allele origin: germline.
Comment: This variant is not present in population databases (ExAC no frequency). This sequence change replaces arginine with cysteine at codon 118 of the AGBL5 protein (p.Arg118Cys). The arginine residue is highly conserved and there is a large physicochemical difference between arginine and cysteine. In summary, the available evidence is currently insufficient to determine the role of this variant in disease. Therefore, it has been classified as a Variant of Uncertain Significance. Algorithms developed to predict the effect of missense changes on protein structure and function are either unavailable or do not agree on the potential impact of this missense change (SIFT: "Deleterious"; PolyPhen-2: "Probably Damaging"; Align-GVGD: "Class C0"). This variant has not been reported in the literature in individuals with AGBL5-related conditions.

Blueprint Genetics
Classification: Uncertain significance. Last evaluated: 2019-09-30. Review status: criteria provided, single submitter. Criteria: ACMG Guidelines, 2015. Collection method: clinical testing. Allele origin: germline.

NM_021831.6(AGBL5):c.352C>T (p.Arg118Cys)

Gene: AGBL5 (AGBL carboxypeptidase 5; plus strand). Cytogenetic location: 2p23.3.
Variant type: single nucleotide variant.
Coding change: c.352C>T on transcript NM_021831.6 (MANE Select); coding-DNA position 352, C replaced by T.
Protein change: p.Arg118Cys; replaces arginine 118 with cysteine.
Molecular consequence: missense variant. On other transcripts: non-coding transcript variant (2).
Genome position (GRCh38, 1-based): chr2:27,053,538, C>T. VCF-style: chr2-27053538-C-T. GRCh37 (hg19) VCF-style: chr2-27276406-C-T.
Other names: c.352C>T, p.Arg118Cys (NM_001035507.3); short protein forms R118C.
Identifiers: ClinVar variation 845515 (VCV000845515.8), dbSNP rs1423131944, ClinGen allele CA346170323.